The following is an entry in ClinVar:

NM_001943.5(DSG2):c.872C>T (p.Thr291Met)

Gene: DSG2 (desmoglein 2; plus strand). Cytogenetic location: 18q12.1.
Variant type: single nucleotide variant.
Coding change: c.872C>T on transcript NM_001943.5 (MANE Select); coding-DNA position 872, C replaced by T.
Protein change: p.Thr291Met; replaces threonine 291 with methionine.
Molecular consequence: missense variant.
Genome position (GRCh38, 1-based): chr18:31,524,746, C>T. VCF-style: chr18-31524746-C-T. GRCh37 (hg19) VCF-style: chr18-29104709-C-T.
Other names: c.872C>T (LRG_397t1); short protein forms T291M.
Identifiers: ClinVar variation 546345 (VCV000546345.16), dbSNP rs774563205, ClinGen allele CA050339.

ClinVar aggregate classification (germline): Conflicting classifications of pathogenicity. Review status: criteria provided, conflicting classifications (1 of 4 stars). 6 submissions from 6 submitters: Uncertain significance (3); Likely benign (3). Last evaluated 2026-03-27.

Conditions:
Cardiovascular phenotype. Identifiers: MedGen CN230736.
Cardiomyopathy (CMYO). Also called: Cardiomyopathies. Identifiers: Orphanet 167848, MedGen C0878544, MONDO:0004994, HP:0001638. Inheritance: Various modes of inheritance.
Arrhythmogenic right ventricular cardiomyopathy (ARVD). Also called: Arrhythmogenic cardiomyopathy; Arrhythmogenic Right Ventricular Cardiomyopathy (ARVC); Cardiomyopathy, ARVC; Arrhythmogenic right ventricular dysplasia. Identifiers: Orphanet 247, MedGen C0349788, MeSH D019571, MONDO:0016587. Disease mechanism: loss of function. Inheritance: Various modes of inheritance.
Arrhythmogenic right ventricular dysplasia 10. Also called: Arrhythmogenic right ventricular dysplasia/cardiomyopathy, type 10; Arrhythmogenic Right Ventricular Dysplasia/Cardiomyopathy10; ARRHYTHMOGENIC RIGHT VENTRICULAR DYSPLASIA, FAMILIAL, 10. Identifiers: MedGen C1857777, MONDO:0012434, OMIM 610193.

Allele frequency attached by ClinVar (database versions not stated): gnomAD 0.00001; TOPMed 0.00001; ExAC 0.00002.
gnomAD v4.1: 32 of 1,613,984 alleles (0.002%); highest among the groups gnomAD compares: South Asian, 0.011%; no homozygotes.

Submissions (6):

Molecular Diagnostic Laboratory for Inherited Cardiovascular Disease, Montreal Heart Institute
Classification: Uncertain significance for Cardiovascular phenotype. Last evaluated: 2026-03-27. Review status: criteria provided, single submitter. Criteria: ACMG Guidelines, 2015. Collection method: clinical testing. Allele origin: germline. Affected: yes.
Comment: PM1, PM2, BP4

Labcorp Genetics (formerly Invitae), Labcorp
Classification: Uncertain significance for Arrhythmogenic right ventricular dysplasia 10. Last evaluated: 2026-01-13. Review status: criteria provided, single submitter. Criteria: Invitae Variant Classification Sherloc (09022015). Collection method: clinical testing. Allele origin: germline.
Comment: This sequence change replaces threonine, which is neutral and polar, with methionine, which is neutral and non-polar, at codon 291 of the DSG2 protein (p.Thr291Met). This variant is present in population databases (rs774563205, gnomAD 0.01%). This variant has not been reported in the literature in individuals affected with DSG2-related conditions. ClinVar contains an entry for this variant (Variation ID: 546345). Invitae Evidence Modeling of protein sequence and biophysical properties (such as structural, functional, and spatial information, amino acid conservation, physicochemical variation, residue mobility, and thermodynamic stability) indicates that this missense variant is not expected to disrupt DSG2 protein function with a negative predictive value of 95%. In summary, the available evidence is currently insufficient to determine the role of this variant in disease. Therefore, it has been classified as a Variant of Uncertain Significance.

Color Diagnostics, LLC DBA Color Health
Classification: Likely benign for Cardiomyopathy. Last evaluated: 2024-08-29. Review status: criteria provided, single submitter. Criteria: ACMG Guidelines, 2015. Collection method: clinical testing. Allele origin: germline.

Ambry Genetics
Classification: Likely benign for Cardiovascular phenotype. Last evaluated: 2024-01-08. Review status: criteria provided, single submitter. Criteria: Ambry Variant Classification Scheme 2023. Collection method: clinical testing. Allele origin: germline.

All of Us Research Program, National Institutes of Health
Classification: Likely benign for Arrhythmogenic right ventricular cardiomyopathy. Last evaluated: 2023-12-01. Review status: criteria provided, single submitter. Criteria: ACMG Guidelines, 2015. Collection method: clinical testing. Allele origin: germline. Inheritance: Autosomal dominant inheritance. Observed: 15 variant alleles, 15 heterozygotes.
Comment: This study involves interpretation of variants in research participants for the purpose of population health screening. Participant phenotype was not available at the time of variant classification. Additional details can be found in publication PMID: 35346344, PMCID: PMC8962531

GeneDx
Classification: Uncertain significance. Last evaluated: 2021-03-03. Review status: criteria provided, single submitter. Criteria: GeneDx Variant Classification Process June 2021. Collection method: clinical testing. Allele origin: germline. Affected: yes.
Comment: Has not been previously published as pathogenic or benign to our knowledge; In silico analysis supports that this missense variant does not alter protein structure/function; Reported in ClinVar (ClinVar Variant ID# 546345; Landrum et al., 2016)